The following is an entry in ClinVar:

NM_005984.5(SLC25A1):c.389G>A (p.Gly130Asp)

Gene: SLC25A1 (solute carrier family 25 member 1; minus strand). Cytogenetic location: 22q11.21.
Variant type: single nucleotide variant.
Coding change: c.389G>A on transcript NM_005984.5 (MANE Select); coding-DNA position 389, G replaced by A.
Protein change: p.Gly130Asp; replaces glycine 130 with aspartic acid.
Molecular consequence: missense variant.
Genome position (GRCh38, 1-based): chr22:19,177,779, C>T on the plus strand (G>A on the coding strand, the complement: SLC25A1 is on the minus strand). VCF-style: chr22-19177779-C-T. GRCh37 (hg19) VCF-style: chr22-19165292-C-T.
Other names: c.410G>A, p.Gly137Asp (NM_001256534.2); c.80G>A, p.Gly27Asp (NM_001287387.2); short protein forms G130D, G27D, G137D.
Identifiers: ClinVar variation 42196 (VCV000042196.14), dbSNP rs368647424, ClinGen allele CA130982.
Genomic context (GRCh38, chr22:19,177,779, plus strand): 5'-TTCCCCACCTTGATGGTCTCCATGGGGCACACGACCACCACGGCCTCGGCCACGCCAGCG[C>T]CCAGGCCGCACAGCAGCCCACGCGTGCTGTCCAGCCGTCCCTGGGCATCCCGCATGTGGT-3'
Protein context (NP_005975.1, residues 120-140): DSTRGLLCGL[Gly130Asp]AGVAEAVVVV

ClinVar aggregate classification (germline): Conflicting classifications of pathogenicity. Review status: criteria provided, conflicting classifications (1 of 4 stars). 4 submissions from 4 submitters: Pathogenic (2); Uncertain significance (1). 1 of the submissions does not count toward it. Last evaluated 2024-12-13.

Conditions:
D,L-2-hydroxyglutaric aciduria (D2L2AD). Also called: Combined D-2- and L-2-hydroxyglutaric aciduria. Identifiers: Orphanet 356978, MedGen C5574940, MONDO:0014072, OMIM 615182.

Allele frequency attached by ClinVar (database versions not stated): gnomAD exomes 0.00001 and 0.00004; gnomAD 0.00001; ESP Exome Variant Server 0.00008; ExAC 0.00005; TOPMed 0.00002.
gnomAD v4.1: 23 of 1,610,334 alleles (0.0014%); no homozygotes.

Submissions (4):

GeneDx
Classification: Pathogenic. Last evaluated: 2024-12-13. Review status: criteria provided, single submitter. Criteria: GeneDx Variant Classification Process June 2021. Collection method: clinical testing. Allele origin: germline.
Comment: Published functional studies demonstrate a damaging effect on enzyme activity (PMID: 29031613, 29238895); In silico analysis supports that this missense variant has a deleterious effect on protein structure/function; This variant is associated with the following publications: (PMID: 29238895, 23393310, 26870663, 29031613)

Labcorp Genetics (formerly Invitae), Labcorp
Classification: Uncertain significance. Last evaluated: 2021-11-24. Review status: criteria provided, single submitter. Criteria: Invitae Variant Classification Sherloc (09022015). Collection method: clinical testing. Allele origin: germline.
Comment: This variant is present in population databases (rs368647424, gnomAD 0.08%). ClinVar contains an entry for this variant (Variation ID: 42196). This missense change has been observed in individual(s) with autosomal recessive combined D-2-, L-2-hydroxyglutaric aciduria (PMID: 23393310, 29238895). This sequence change replaces glycine, which is neutral and non-polar, with aspartic acid, which is acidic and polar, at codon 130 of the SLC25A1 protein (p.Gly130Asp). Algorithms developed to predict the effect of missense changes on protein structure and function are either unavailable or do not agree on the potential impact of this missense change (SIFT: "Deleterious"; PolyPhen-2: "Probably Damaging"; Align-GVGD: "Class C0"). Experimental studies have shown that this missense change affects SLC25A1 function (PMID: 29031613). In summary, the available evidence is currently insufficient to determine the role of this variant in disease. Therefore, it has been classified as a Variant of Uncertain Significance.

Revvity Omics, Revvity
Classification: Pathogenic. Last evaluated: 2019-06-27. Review status: criteria provided, single submitter. Criteria: ACMG Guidelines, 2015. Collection method: clinical testing. Allele origin: germline.

OMIM
Classification: Pathogenic for COMBINED D-2- AND L-2-HYDROXYGLUTARIC ACIDURIA. Last evaluated: 2013-04-01. Review status: no assertion criteria provided. Collection method: literature only. Allele origin: germline. Not counted in ClinVar's aggregate classification.

Literature cited by the submitters: PubMed 23393310 (cited by Labcorp Genetics (formerly Invitae), Labcorp and OMIM); PubMed 29238895 (cited by Labcorp Genetics (formerly Invitae), Labcorp); PubMed 29031613 (cited by Labcorp Genetics (formerly Invitae), Labcorp).